The following is an entry in ClinVar:

ClinVar aggregate classification (germline): Uncertain significance (1 of 4 stars; one submission).

Submission:

Laboratory for Molecular Medicine, Mass General Brigham Personalized Medicine
Classification: Uncertain significance. Last evaluated: 2013-05-09. Review status: criteria provided, single submitter. Criteria: LMM Criteria. Collection method: clinical testing. Allele origin: germline. Observed: 1 variant allele.
Comment: Variant classified as Uncertain Significance - Favor Benign. The 754-3_754-2insC variant in CDH23 has not been reported in individuals affected with hearing los s or in large population databases. This variant is located in the 3' splice reg ion. Computational tools do not suggest an impact to splicing. However, this inf ormation is not predictive enough to rule out pathogenicity. In summary, the cli nical significance of this variant cannot be determined with certainty; however based upon the arguments described above, we would lean towards a more likely be nign role.

NM_022124.6(CDH23):c.754-3dup

Gene: CDH23 (cadherin related 23; plus strand). Cytogenetic location: 10q22.1.
Variant type: Duplication.
Coding change: c.754-3dup on transcript NM_022124.6 (MANE Select); 3 bases into the intron before coding-DNA position 754, one base duplicated (C; older notation c.754-3dupC).
Molecular consequence: intron variant.
Genome position (GRCh38, 1-based): chr10:71,577,911, C duplicated; the last of 3 consecutive C bases (chr10:71,577,909-71,577,911); duplicating any one gives the same sequence. VCF-style (leftmost placement, unchanged base first): chr10-71577908-G-GC. GRCh37 (hg19) VCF-style: chr10-73337665-G-GC.
Other names: c.754-3dup (NM_001171930.2, NM_001171931.2, NM_052836.4 and 1 more transcripts).
Identifiers: ClinVar variation 178842 (VCV000178842.4), dbSNP rs730880346, ClinGen allele CA183140.